The following is an entry in ClinVar:

ClinVar aggregate classification (germline): Uncertain significance. Review status: criteria provided, multiple submitters, no conflicts (2 of 4 stars). 2 submissions from 2 submitters: Uncertain significance (2). Last evaluated 2025-04-12.

Allele frequency attached by ClinVar (database versions not stated): TOPMed 0.00001.

Submissions (2):

Labcorp Genetics (formerly Invitae), Labcorp
Classification: Uncertain significance. Last evaluated: 2025-04-12. Review status: criteria provided, single submitter. Criteria: Invitae Variant Classification Sherloc (09022015). Collection method: clinical testing. Allele origin: germline.
Comment: This sequence change replaces lysine, which is basic and polar, with glutamic acid, which is acidic and polar, at codon 84 of the KAT6A protein (p.Lys84Glu). This variant is not present in population databases (gnomAD no frequency). This variant has not been reported in the literature in individuals affected with KAT6A-related conditions. ClinVar contains an entry for this variant (Variation ID: 1303125). Invitae Evidence Modeling of protein sequence and biophysical properties (such as structural, functional, and spatial information, amino acid conservation, physicochemical variation, residue mobility, and thermodynamic stability) indicates that this missense variant is not expected to disrupt KAT6A protein function with a negative predictive value of 95%. In summary, the available evidence is currently insufficient to determine the role of this variant in disease. Therefore, it has been classified as a Variant of Uncertain Significance.

GeneDx
Classification: Uncertain significance. Last evaluated: 2020-02-17. Review status: criteria provided, single submitter. Criteria: GeneDx Variant Classification Process June 2021. Collection method: clinical testing. Allele origin: germline. Affected: yes.
Comment: Not observed in large population cohorts (Lek et al., 2016); In silico analysis supports that this missense variant has a deleterious effect on protein structure/function; Has not been previously published as pathogenic or benign to our knowledge

NM_006766.5(KAT6A):c.250A>G (p.Lys84Glu)

Gene: KAT6A (lysine acetyltransferase 6A; minus strand). Cytogenetic location: 8p11.21.
Variant type: single nucleotide variant.
Coding change: c.250A>G on transcript NM_006766.5 (MANE Select); coding-DNA position 250, A replaced by G.
Protein change: p.Lys84Glu; replaces lysine 84 with glutamic acid.
Molecular consequence: missense variant.
Genome position (GRCh38, 1-based): chr8:42,048,728, T>C on the plus strand (A>G on the coding strand, the complement: KAT6A is on the minus strand). VCF-style: chr8-42048728-T-C. GRCh37 (hg19) VCF-style: chr8-41906246-T-C.
Other names: c.250A>G, p.Lys84Glu (NM_001305878.2); short protein forms K84E.
Identifiers: ClinVar variation 1303125 (VCV001303125.3), dbSNP rs1224203245, ClinGen allele CA371175082.